The following is an entry in ClinVar:

NM_001165963.4(SCN1A):c.937G>C (p.Asp313His)

Gene: SCN1A (sodium voltage-gated channel alpha subunit 1; minus strand). Cytogenetic location: 2q24.3.
Variant type: single nucleotide variant.
Coding change: c.937G>C on transcript NM_001165963.4 (MANE Select); coding-DNA position 937, G replaced by C.
Protein change: p.Asp313His; replaces aspartic acid 313 with histidine.
Molecular consequence: missense variant. On other transcripts: 5 prime UTR variant (1), non-coding transcript variant (1).
Genome position (GRCh38, 1-based): chr2:166,051,746, C>G on the plus strand (G>C on the coding strand, the complement: SCN1A is on the minus strand). VCF-style: chr2-166051746-C-G. GRCh37 (hg19) VCF-style: chr2-166908256-C-G.
Other names: c.937G>C, p.Asp313His (NM_001353958.2, NM_001353960.2, NM_006920.6 and 10 more transcripts); c.-1489G>C (NM_001353961.2); short protein forms D313H.
Identifiers: ClinVar variation 3906492 (VCV003906492.2).

ClinVar aggregate classification (germline): Uncertain significance. Review status: criteria provided, multiple submitters, no conflicts (2 of 4 stars). 2 submissions from 2 submitters: Uncertain significance (2). Last evaluated 2025-12-02.

Conditions:
Inborn genetic diseases. Identifiers: MedGen C0950123, MeSH D030342.

Submissions (2):

Ambry Genetics
Classification: Uncertain significance for Inborn genetic diseases. Last evaluated: 2025-12-02. Review status: criteria provided, single submitter. Criteria: Ambry Variant Classification Scheme 2023. Collection method: clinical testing. Allele origin: germline.
Comment: The c.937G>C (p.D313H) alteration is located in exon 6 (coding exon 6) of the SCN1A gene. This alteration results from a G to C substitution at nucleotide position 937, causing the aspartic acid (D) at amino acid position 313 to be replaced by a histidine (H). Based on data from gnomAD, the C allele has an overall frequency of 0.003% (1/31382) total alleles studied. The highest observed frequency was 0.007% (1/15420) of European (non-Finnish) alleles. Based on insufficient or conflicting evidence, the clinical significance of this alteration remains unclear.

GeneDx
Classification: Uncertain significance. Last evaluated: 2024-12-23. Review status: criteria provided, single submitter. Criteria: GeneDx Variant Classification Process June 2021. Collection method: clinical testing. Allele origin: germline. Affected: yes.
Comment: Not observed at significant frequency in large population cohorts (gnomAD); In silico analysis supports that this missense variant has a deleterious effect on protein structure/function; Has not been previously published as pathogenic or benign to our knowledge